The following is an entry in ClinVar:

ClinVar aggregate classification (germline): Uncertain significance (1 of 4 stars; one submission).

gnomAD v4.1: 2 of 941,668 alleles (0.00021%); highest among the groups gnomAD compares: Non-Finnish European, 0.00025%; no homozygotes.

Submission:

GeneDx
Classification: Uncertain significance. Last evaluated: 2023-11-11. Review status: criteria provided, single submitter. Criteria: GeneDx Variant Classification Process June 2021. Collection method: clinical testing. Allele origin: germline. Affected: yes.
Comment: Reported using an alternate transcript of the gene; In silico analysis suggests this variant may impact gene splicing. In the absence of RNA/functional studies, the actual effect of this sequence change is unknown.; Nucleotide is not conserved across species and the substitution has no predicted effect on splicing; Has not been previously published as pathogenic or benign to our knowledge

NM_001111.5(ADAR):c.15+1988T>G

Gene: ADAR (adenosine deaminase RNA specific; minus strand). Cytogenetic location: 1q21.3.
Variant type: single nucleotide variant.
Coding change: c.15+1988T>G on transcript NM_001111.5 (MANE Select); 1988 bases into the intron after coding-DNA position 15, T replaced by G.
Molecular consequence: intron variant. On other transcripts: splice donor variant (1).
Genome position (GRCh38, 1-based): chr1:154,606,004, A>C on the plus strand (T>G on the coding strand, the complement: ADAR is on the minus strand). VCF-style: chr1-154606004-A-C. GRCh37 (hg19) VCF-style: chr1-154578480-A-C.
Other names: c.-734-3378T>G (NM_001365046.1); c.43-3378T>G (NM_001365045.1); c.-870-3378T>G (NM_001025107.3); c.-871+2747T>G (NM_001365048.1); c.-735+1988T>G (NM_001365049.1, NM_001365047.1); c.15+1988T>G (NM_015841.4, NM_015840.4); c.-871+2T>G (NM_001193495.2).
Identifiers: ClinVar variation 3363809 (VCV003363809.1).